The following is an entry in ClinVar:

ClinVar aggregate classification (germline): Uncertain significance (1 of 4 stars; one submission).

Conditions:
Microcephaly, normal intelligence and immunodeficiency (NBS). Also called: BERLIN BREAKAGE SYNDROME; Nijmegen breakage syndrome; Microcephaly with normal intelligence immunodeficiency and lymphoreticular malignancies; Nonsyndromal microcephaly autosomal recessive with normal intelligence; Seemanova syndrome 2; Ataxia telangiectasia variant V1. Identifiers: Orphanet 647, MedGen C0398791, MONDO:0009623, OMIM 251260.

Submission:

Labcorp Genetics (formerly Invitae), Labcorp
Classification: Uncertain significance for Microcephaly, normal intelligence and immunodeficiency. Last evaluated: 2021-12-12. Review status: criteria provided, single submitter. Criteria: Invitae Variant Classification Sherloc (09022015). Collection method: clinical testing. Allele origin: germline.
Comment: In summary, the available evidence is currently insufficient to determine the role of this variant in disease. Therefore, it has been classified as a Variant of Uncertain Significance. Algorithms developed to predict the effect of sequence changes on RNA splicing suggest that this variant may disrupt the consensus splice site. This variant has not been reported in the literature in individuals affected with NBN-related conditions. This variant is not present in population databases (gnomAD no frequency). This sequence change falls in intron 10 of the NBN gene. It does not directly change the encoded amino acid sequence of the NBN protein.

NM_002485.5(NBN):c.1398-5C>G

Gene: NBN (nibrin; minus strand). Cytogenetic location: 8q21.3.
Variant type: single nucleotide variant.
Coding change: c.1398-5C>G on transcript NM_002485.5 (MANE Select); 5 bases into the intron before coding-DNA position 1398, C replaced by G.
Molecular consequence: intron variant.
Genome position (GRCh38, 1-based): chr8:89,953,696, G>C on the plus strand (C>G on the coding strand, the complement: NBN is on the minus strand). VCF-style: chr8-89953696-G-C. GRCh37 (hg19) VCF-style: chr8-90965924-G-C.
Other names: c.1152-5C>G (NM_001024688.3).
Identifiers: ClinVar variation 1516071 (VCV001516071.6), dbSNP rs2129704548, ClinGen allele CA2573143374.
Genomic context (GRCh38, chr8:89,953,696, plus strand): 5'-TTTCTATTCTTGCTGATTTGCATGAAGACATTTCTTGATTTTCTTCATCCCTTTCCCTTA[G>C]ATTTAAAAAAAAAGAAGAAAACAAAACAAGAAAATGAACACAGCTAAGTAACCATTTAGT-3'